The following is an entry in ClinVar:

ClinVar aggregate classification (germline): Pathogenic/Likely pathogenic. Review status: criteria provided, multiple submitters, no conflicts (2 of 4 stars). 3 submissions from 3 submitters: Pathogenic (1); Likely pathogenic (2). Last evaluated 2025-08-07.

Conditions:
Medium-chain acyl-coenzyme A dehydrogenase deficiency (ACADMD). Also called: MCADD; ACADM DEFICIENCY; CARNITINE DEFICIENCY SECONDARY TO MEDIUM-CHAIN ACYL-CoA DEHYDROGENASE DEFICIENCY; MCAD Deficiency; MCADH DEFICIENCY; Medium chain acyl-CoA dehydrogenase deficiency. Identifiers: Orphanet 42, MedGen C0220710, MONDO:0008721, OMIM 201450.

Submissions (3):

Myriad Genetics, Inc.
Classification: Likely pathogenic for Medium-chain acyl-coenzyme A dehydrogenase deficiency. Last evaluated: 2025-08-07. Review status: criteria provided, single submitter. Criteria: Myriad Autosomal Dominant, Autosomal Recessive and X-Linked Classification Criteria (2023). Collection method: clinical testing. Allele origin: unknown.
Comment: NM_000016.4(ACADM):c.708+1G>A is a variant in a canonical splice site classified as likely pathogenic in the context of medium-chain acyl-CoA dehydrogenase deficiency. c.708+1G>A has not been observed in cases with relevant disease. Relevant functional assessments of this variant are not available in the literature. c.708+1G>A has not been observed in referenced population frequency databases. In summary, NM_000016.4(ACADM):c.708+1G>A is a variant in a canonical splice site in a gene where loss of function is a known mechanism of disease and is predicted to disrupt protein function. Please note: this variant was assessed in the context of healthy population screening.

Natera, Inc.
Classification: Pathogenic for Medium Chain Acyl-CoA Dehydrogenase Deficiency. Last evaluated: 2024-09-25. Review status: criteria provided, single submitter. Criteria: Natera Variant Classification Schema (03/2026). Collection method: clinical testing. Allele origin: germline.
Comment: The c.708+1G>A variant in ACADM is a canonical splice donor site variant predicted to affect pre-mRNA splicing, which may result in an abnormal transcript and altered protein product. This variant is expected to result in nonsense mediated decay, truncation, or a dysfunctional protein product. This variant is rare in the general population with a frequency below the threshold expected for the associated phenotype(s). This variant has been observed in one or more individuals affected with the associated recessive disease, as either homozygous or compound heterozygous with a second variant (PMID: 38356271). Given the available evidence, this variant is classified as Pathogenic.

GeneDx
Classification: Likely pathogenic. Last evaluated: 2016-06-10. Review status: criteria provided, single submitter. Criteria: GeneDx Variant Classification (06012015). Collection method: clinical testing. Allele origin: germline. Affected: yes.
Comment: The c.708+1 G>A splice site variant in the ACADM gene destroys the canonical splice donor site in intron 8. It is predicted to cause abnormal gene splicing, either leading to an abnormal message that is subject to nonsense-mediated mRNA decay, or to an abnormal protein product if the message is used for protein translation. Although this variant has not been previously reported to our knowledge, it is likely to be a pathogenic variant.

Literature cited by the submitters: PubMed 38356271 (cited by Natera, Inc.).

NM_000016.6(ACADM):c.708+1G>A

Gene: ACADM (acyl-CoA dehydrogenase medium chain; plus strand). Cytogenetic location: 1p31.1.
Variant type: single nucleotide variant.
Coding change: c.708+1G>A on transcript NM_000016.6 (MANE Select); the canonical splice donor site of the intron after coding-DNA position 708, G replaced by A.
Molecular consequence: splice donor variant.
Genome position (GRCh38, 1-based): chr1:75,745,915, G>A. VCF-style: chr1-75745915-G-A. GRCh37 (hg19) VCF-style: chr1-76211600-G-A.
Other names: c.720+1G>A (NM_001127328.3); c.807+1G>A (NM_001286043.2); c.600+1G>A (NM_001286042.2); c.141+1G>A (NM_001286044.2); c.708+1G>A (NM_000016.5).
Identifiers: ClinVar variation 432179 (VCV000432179.5), dbSNP rs1553124803, ClinGen allele CA340816332.